The following is an entry in ClinVar:

NM_014714.4(IFT140):c.2454C>T (p.Asp818=)

Gene: IFT140 (intraflagellar transport 140; minus strand). Cytogenetic location: 16p13.3.
Variant type: single nucleotide variant.
Coding change: c.2454C>T on transcript NM_014714.4 (MANE Select); coding-DNA position 2454, C replaced by T.
Protein change: p.Asp818=; no amino-acid change (aspartic acid 818 retained).
Molecular consequence: synonymous variant.
Genome position (GRCh38, 1-based): chr16:1,526,742, G>A on the plus strand (C>T on the coding strand, the complement: IFT140 is on the minus strand). VCF-style: chr16-1526742-G-A. GRCh37 (hg19) VCF-style: chr16-1576743-G-A.
Other names: p.Asp818=.
Identifiers: ClinVar variation 318056 (VCV000318056.19), dbSNP rs34668993, ClinGen allele CA7813620.
Genomic context (GRCh38, chr16:1,526,742, plus strand): 5'-CTCACGCAGCGCTCGGGCCCCGCGGGCATGGCCCATGTTCCCCAGGCACACCTTGGCCAC[G>A]TCCAGCCGCTGGGTCTTCACGCACATGCGCGCCATGTTCTCCCAGACGGCCTCACTGTGG-3'
Protein context (NP_055529.2, residues 808-828): ARMCVKTQRL[Asp818=]VAKVCLGNMG

ClinVar aggregate classification (germline): Benign. Review status: criteria provided, multiple submitters, no conflicts (2 of 4 stars). 5 submissions from 5 submitters: Benign (5). Last evaluated 2026-02-04.

Conditions:
Saldino-Mainzer syndrome (SRTD9). Also called: Renal dysplasia, retinal pigmentary dystrophy, cerebellar ataxia and skeletal dysplasia; SHORT-RIB THORACIC DYSPLASIA 9 WITHOUT POLYDACTYLY; CONORENAL SYNDROME; short-rib thoracic dysplasia 9 with or without polydactyly. Identifiers: Orphanet 140969, MedGen C1849437, MONDO:0009964, OMIM 266920.

Allele frequency attached by ClinVar (database versions not stated): gnomAD exomes 0.00593 and 0.00774; ExAC 0.01039; ESP Exome Variant Server 0.01741; gnomAD 0.01782 and 0.01885; TOPMed 0.01934; 1000 Genomes Project 0.01937; 1000 Genomes Project 30x 0.02202.
gnomAD v4.1: 11,415 of 1,609,832 alleles (0.71%); highest among the groups gnomAD compares: African/African-American, 5.2%; 141 homozygotes.

Submissions (5):

Labcorp Genetics (formerly Invitae), Labcorp
Classification: Benign for Saldino-Mainzer syndrome. Last evaluated: 2026-02-04. Review status: criteria provided, single submitter. Criteria: Invitae Variant Classification Sherloc (09022015). Collection method: clinical testing. Allele origin: germline.

Mayo Clinic Laboratories, Mayo Clinic
Classification: Benign. Last evaluated: 2023-04-10. Review status: criteria provided, single submitter. Criteria: ACMG Guidelines, 2015. Collection method: clinical testing. Allele origin: germline. Observed: 2 variant alleles.

GeneDx
Classification: Benign. Last evaluated: 2021-05-04. Review status: criteria provided, single submitter. Criteria: GeneDx Variant Classification Process June 2021. Collection method: clinical testing. Allele origin: germline. Affected: yes.

Illumina Laboratory Services, Illumina
Classification: Benign for Saldino-Mainzer syndrome. Last evaluated: 2018-01-13. Review status: criteria provided, single submitter. Criteria: ICSL Variant Classification Criteria 13 December 2019. Collection method: clinical testing. Allele origin: germline.
Comment: This variant was observed in the ICSL laboratory as part of a predisposition screen in an ostensibly healthy population. It had not been previously curated by ICSL or reported in the Human Gene Mutation Database (HGMD: prior to June 1st, 2018), and was therefore a candidate for classification through an automated scoring system. Utilizing variant allele frequency, disease prevalence and penetrance estimates, and inheritance mode, an automated score was calculated to assess if this variant is too frequent to cause the disease. Based on the score and internal cut-off values, a variant classified as benign is not then subjected to further curation. The score for this variant resulted in a classification of benign for this disease.

Breakthrough Genomics
Classification: Benign. Review status: criteria provided, single submitter. Criteria: ACMG Guidelines, 2015. Collection method: not provided. Allele origin: germline. Inheritance: Autosomal recessive inheritance. Affected: yes.